The following is an entry in ClinVar:

ClinVar aggregate classification (germline): Uncertain significance (1 of 4 stars; one submission).

Conditions:
Inborn genetic diseases. Identifiers: MedGen C0950123, MeSH D030342.

Allele frequency attached by ClinVar (database versions not stated): ExAC 0.00002.
gnomAD v4.1: 1 of 1,367,378 alleles (0.000073%); highest among the groups gnomAD compares: Non-Finnish European, 0.000098%; no homozygotes.

Submission:

Ambry Genetics
Classification: Uncertain significance for Inborn genetic diseases. Last evaluated: 2020-08-14. Review status: criteria provided, single submitter. Criteria: Ambry Variant Classification Scheme 2023. Collection method: clinical testing. Allele origin: germline.
Comment: The p.R40L variant (also known as c.119G>T), located in coding exon 1 of the DST gene, results from a G to T substitution at nucleotide position 119. The arginine at codon 40 is replaced by leucine, an amino acid with dissimilar properties. This amino acid position is highly conserved in available vertebrate species. In addition, this alteration is predicted to be deleterious by in silico analysis. Since supporting evidence is limited at this time, the clinical significance of this alteration remains unclear.

NM_001374736.1(DST):c.119G>T (p.Arg40Leu)

Gene: DST (dystonin; minus strand). Cytogenetic location: 6p12.1.
Variant type: single nucleotide variant.
Coding change: c.119G>T on transcript NM_001374736.1 (MANE Select); coding-DNA position 119, G replaced by T.
Protein change: p.Arg40Leu; replaces arginine 40 with leucine.
Molecular consequence: missense variant.
Genome position (GRCh38, 1-based): chr6:56,954,469, C>A on the plus strand (G>T on the coding strand, the complement: DST is on the minus strand). VCF-style: chr6-56954469-C-A. GRCh37 (hg19) VCF-style: chr6-56819267-C-A.
Other names: c.119G>T, p.Arg40Leu (NM_001144769.5, NM_001374722.1, NM_001374734.1); short protein forms R40L.
Identifiers: ClinVar variation 1746941 (VCV001746941.2), dbSNP rs780248720, ClinGen allele CA3872067.